The following is an entry in ClinVar:

NM_001105206.3(LAMA4):c.3325G>A (p.Val1109Met)

Gene: LAMA4 (laminin subunit alpha 4; minus strand). Cytogenetic location: 6q21.
Variant type: single nucleotide variant.
Coding change: c.3325G>A on transcript NM_001105206.3 (MANE Select); coding-DNA position 3325, G replaced by A.
Protein change: p.Val1109Met; replaces valine 1109 with methionine.
Molecular consequence: missense variant.
Genome position (GRCh38, 1-based): chr6:112,136,212, C>T on the plus strand (G>A on the coding strand, the complement: LAMA4 is on the minus strand). VCF-style: chr6-112136212-C-T. GRCh37 (hg19) VCF-style: chr6-112457414-C-T.
Other names: c.3304G>A, p.Val1102Met (NM_001105207.3, NM_002290.5); short protein forms V1109M, V1102M.
Identifiers: ClinVar variation 2562643 (VCV002562643.5), dbSNP rs1554331522, ClinGen allele CA365377631.

ClinVar aggregate classification (germline): Uncertain significance. Review status: criteria provided, multiple submitters, no conflicts (2 of 4 stars). 2 submissions from 2 submitters: Uncertain significance (2). Last evaluated 2023-09-15.

Conditions:
Cardiovascular phenotype. Identifiers: MedGen CN230736.
Dilated cardiomyopathy 1JJ (CMD1JJ). Identifiers: Orphanet 154, MedGen C3808935, MONDO:0014095, OMIM 615235.

Allele frequency attached by ClinVar (database versions not stated): gnomAD exomes below 0.00001; TOPMed below 0.00001.
gnomAD v4.1: 2 of 1,612,338 alleles (0.00012%); highest among the groups gnomAD compares: South Asian, 0.0011%; no homozygotes.

Submissions (2):

Labcorp Genetics (formerly Invitae), Labcorp
Classification: Uncertain significance for Dilated cardiomyopathy 1JJ. Last evaluated: 2023-09-15. Review status: criteria provided, single submitter. Criteria: Invitae Variant Classification Sherloc (09022015). Collection method: clinical testing. Allele origin: germline.
Comment: This sequence change replaces valine, which is neutral and non-polar, with methionine, which is neutral and non-polar, at codon 1102 of the LAMA4 protein (p.Val1102Met). In summary, the available evidence is currently insufficient to determine the role of this variant in disease. Therefore, it has been classified as a Variant of Uncertain Significance. An algorithm developed to predict the effect of missense changes on protein structure and function (PolyPhen-2) suggests that this variant is likely to be disruptive. ClinVar contains an entry for this variant (Variation ID: 2562643). This variant has not been reported in the literature in individuals affected with LAMA4-related conditions. This variant is present in population databases (no rsID available, gnomAD 0.003%).

Ambry Genetics
Classification: Uncertain significance for Cardiovascular phenotype. Last evaluated: 2023-06-14. Review status: criteria provided, single submitter. Criteria: Ambry Variant Classification Scheme 2023. Collection method: clinical testing. Allele origin: germline.
Comment: The p.V1102M variant (also known as c.3304G>A), located in coding exon 24 of the LAMA4 gene, results from a G to A substitution at nucleotide position 3304. The valine at codon 1102 is replaced by methionine, an amino acid with highly similar properties. This amino acid position is conserved. In addition, the in silico prediction for this alteration is inconclusive. Since supporting evidence is limited at this time, the clinical significance of this alteration remains unclear.